The following is an entry in ClinVar:

ClinVar aggregate classification (germline): Pathogenic (1 of 4 stars; one submission).

Conditions:
Spastic paraplegia. Identifiers: MedGen C0037772, HP:0001258.

Allele frequency attached by ClinVar (database versions not stated): gnomAD exomes below 0.00001.
gnomAD v4.1: 1 of 1,614,196 alleles (0.000062%); highest among the groups gnomAD compares: Admixed American, 0.0017%; no homozygotes.

Submission:

Labcorp Genetics (formerly Invitae), Labcorp
Classification: Pathogenic for Spastic paraplegia. Last evaluated: 2022-10-02. Review status: criteria provided, single submitter. Criteria: Invitae Variant Classification Sherloc (09022015). Collection method: clinical testing. Allele origin: germline.
Comment: For these reasons, this variant has been classified as Pathogenic. This variant has not been reported in the literature in individuals affected with ZFYVE26-related conditions. This variant is not present in population databases (gnomAD no frequency). This sequence change creates a premature translational stop signal (p.Gln1666*) in the ZFYVE26 gene. It is expected to result in an absent or disrupted protein product. Loss-of-function variants in ZFYVE26 are known to be pathogenic (PMID: 18394578, 19805727).

Literature cited by the submitters: PubMed 18394578; PubMed 19805727.

NM_015346.4(ZFYVE26):c.4996C>T (p.Gln1666Ter)

Gene: ZFYVE26 (zinc finger FYVE-type containing 26; minus strand). Cytogenetic location: 14q24.1.
Variant type: single nucleotide variant.
Coding change: c.4996C>T on transcript NM_015346.4 (MANE Select); coding-DNA position 4996, C replaced by T.
Protein change: p.Gln1666Ter; replaces glutamine 1666 with a stop codon.
Molecular consequence: nonsense.
Genome position (GRCh38, 1-based): chr14:67,776,085, G>A on the plus strand (C>T on the coding strand, the complement: ZFYVE26 is on the minus strand). VCF-style: chr14-67776085-G-A. GRCh37 (hg19) VCF-style: chr14-68242802-G-A.
Other names: short protein forms Q1666*.
Identifiers: ClinVar variation 1946255 (VCV001946255.5), dbSNP rs2039335667, ClinGen allele CA390168541.